The following is an entry in ClinVar:

NM_001365088.1(SLC12A6):c.1962C>A (p.Tyr654Ter)

Gene: SLC12A6 (solute carrier family 12 member 6; minus strand). Cytogenetic location: 15q14.
Variant type: single nucleotide variant.
Coding change: c.1962C>A on transcript NM_001365088.1 (MANE Select); coding-DNA position 1962, C replaced by A.
Protein change: p.Tyr654Ter; replaces tyrosine 654 with a stop codon.
Molecular consequence: nonsense.
Genome position (GRCh38, 1-based): chr15:34,244,054, G>T on the plus strand (C>A on the coding strand, the complement: SLC12A6 is on the minus strand). VCF-style: chr15-34244054-G-T. GRCh37 (hg19) VCF-style: chr15-34536255-G-T.
Other names: c.1785C>A, p.Tyr595Ter (NM_001042494.2, NM_001042495.2); c.1935C>A, p.Tyr645Ter (NM_001042496.2); c.1917C>A, p.Tyr639Ter (NM_001042497.2); c.1809C>A, p.Tyr603Ter (NM_005135.2); c.1962C>A, p.Tyr654Ter (NM_133647.2); short protein forms Y603*, Y654*, Y639*, Y645*, Y595*.
Identifiers: ClinVar variation 1448267 (VCV001448267.6), dbSNP rs780221317, ClinGen allele CA391620639.

ClinVar aggregate classification (germline): Pathogenic (1 of 4 stars; one submission).

Submission:

Labcorp Genetics (formerly Invitae), Labcorp
Classification: Pathogenic. Last evaluated: 2023-08-21. Review status: criteria provided, single submitter. Criteria: Invitae Variant Classification Sherloc (09022015). Collection method: clinical testing. Allele origin: germline.
Comment: For these reasons, this variant has been classified as Pathogenic. ClinVar contains an entry for this variant (Variation ID: 1448267). This variant has not been reported in the literature in individuals affected with SLC12A6-related conditions. This variant is not present in population databases (gnomAD no frequency). This sequence change creates a premature translational stop signal (p.Tyr654*) in the SLC12A6 gene. It is expected to result in an absent or disrupted protein product. Loss-of-function variants in SLC12A6 are known to be pathogenic (PMID: 12368912, 16606917).

Literature cited by the submitters: PubMed 12368912; PubMed 16606917.